The following is an entry in ClinVar:

ClinVar aggregate classification (germline): Uncertain significance. Review status: criteria provided, multiple submitters, no conflicts (2 of 4 stars). 2 submissions from 2 submitters: Uncertain significance (2). Last evaluated 2025-11-03.

Conditions:
Epileptic encephalopathy. Identifiers: MedGen C0543888, HP:0200134.

Allele frequency attached by ClinVar (database versions not stated): gnomAD 0.00004; gnomAD exomes 0.00005 and 0.00010; TOPMed 0.00006; ExAC 0.00007.
gnomAD v4.1: 84 of 1,613,908 alleles (0.0052%); highest among the groups gnomAD compares: Middle Eastern, 0.049%; no homozygotes.

Submissions (2):

Ambry Genetics
Classification: Uncertain significance. Last evaluated: 2025-11-03. Review status: criteria provided, single submitter. Criteria: Ambry Variant Classification Scheme 2023. Collection method: clinical testing. Allele origin: germline.

Labcorp Genetics (formerly Invitae), Labcorp
Classification: Uncertain significance for Epileptic encephalopathy. Last evaluated: 2020-07-08. Review status: criteria provided, single submitter. Criteria: Invitae Variant Classification Sherloc (09022015). Collection method: clinical testing. Allele origin: germline.
Comment: This sequence change replaces glutamine with arginine at codon 3346 of the RYR3 protein (p.Gln3346Arg). The glutamine residue is highly conserved and there is a small physicochemical difference between glutamine and arginine. This variant is present in population databases (rs368430766, ExAC 0.03%). This variant has not been reported in the literature in individuals with RYR3-related conditions. Algorithms developed to predict the effect of missense changes on protein structure and function are either unavailable or do not agree on the potential impact of this missense change (SIFT: "Deleterious"; PolyPhen-2: "Benign"; Align-GVGD: "Class C0"). In summary, the available evidence is currently insufficient to determine the role of this variant in disease. Therefore, it has been classified as a Variant of Uncertain Significance.

NM_001036.6(RYR3):c.10037A>G (p.Gln3346Arg)

Gene: RYR3 (ryanodine receptor 3; plus strand). Cytogenetic location: 15q14.
Variant type: single nucleotide variant.
Coding change: c.10037A>G on transcript NM_001036.6 (MANE Select); coding-DNA position 10037, A replaced by G.
Protein change: p.Gln3346Arg; replaces glutamine 3346 with arginine.
Molecular consequence: missense variant.
Genome position (GRCh38, 1-based): chr15:33,810,489, A>G. VCF-style: chr15-33810489-A-G. GRCh37 (hg19) VCF-style: chr15-34102690-A-G.
Other names: c.10022A>G, p.Gln3341Arg (NM_001243996.4); c.10037A>G (NM_001036.3); short protein forms Q3341R, Q3346R.
Identifiers: ClinVar variation 1057215 (VCV001057215.11), dbSNP rs368430766, ClinGen allele CA7460719.